The following is an entry in ClinVar:

NM_080680.3(COL11A2):c.3944G>A (p.Gly1315Glu)

Gene: COL11A2 (collagen type XI alpha 2 chain; minus strand). Cytogenetic location: 6p21.32.
Variant type: single nucleotide variant.
Coding change: c.3944G>A on transcript NM_080680.3 (MANE Select); coding-DNA position 3944, G replaced by A.
Protein change: p.Gly1315Glu; replaces glycine 1315 with glutamic acid.
Molecular consequence: missense variant.
Genome position (GRCh38, 1-based): chr6:33,168,535, C>T on the plus strand (G>A on the coding strand, the complement: COL11A2 is on the minus strand). VCF-style: chr6-33168535-C-T. GRCh37 (hg19) VCF-style: chr6-33136312-C-T.
Other names: c.3764G>A, p.Gly1255Glu (NM_001424108.1); c.3098G>A, p.Gly1033Glu (NM_001424109.1); c.2918G>A, p.Gly973Glu (NM_001424110.1, NM_001424111.1); c.1898G>A, p.Gly633Glu (NM_001424112.1); c.3623G>A, p.Gly1208Glu (NM_080679.3); c.3686G>A, p.Gly1229Glu (NM_080681.3); short protein forms G1208E, G973E, G1255E, G1229E, G1315E, G1033E, G633E.
Identifiers: ClinVar variation 2860693 (VCV002860693.3), dbSNP rs2534648265, ClinGen allele CA363624595.

ClinVar aggregate classification (germline): Uncertain significance (1 of 4 stars; one submission).

Submission:

Labcorp Genetics (formerly Invitae), Labcorp
Classification: Uncertain significance. Last evaluated: 2023-05-09. Review status: criteria provided, single submitter. Criteria: Invitae Variant Classification Sherloc (09022015). Collection method: clinical testing. Allele origin: germline.
Comment: In summary, the available evidence is currently insufficient to determine the role of this variant in disease. Therefore, it has been classified as a Variant of Uncertain Significance. Advanced modeling of protein sequence and biophysical properties (such as structural, functional, and spatial information, amino acid conservation, physicochemical variation, residue mobility, and thermodynamic stability) performed at Invitae indicates that this missense variant is expected to disrupt COL11A2 protein function. This variant has not been reported in the literature in individuals affected with COL11A2-related conditions. This variant is not present in population databases (gnomAD no frequency). This sequence change replaces glycine, which is neutral and non-polar, with glutamic acid, which is acidic and polar, at codon 1315 of the COL11A2 protein (p.Gly1315Glu).